The following is an entry in ClinVar:

NM_001110556.2(FLNA):c.714C>G (p.Ile238Met)

Gene: FLNA (filamin A; minus strand). Cytogenetic location: Xq28.
Variant type: single nucleotide variant.
Coding change: c.714C>G on transcript NM_001110556.2 (MANE Select); coding-DNA position 714, C replaced by G.
Protein change: p.Ile238Met; replaces isoleucine 238 with methionine.
Molecular consequence: missense variant.
Genome position (GRCh38, 1-based): chrX:154,367,647, G>C on the plus strand (C>G on the coding strand, the complement: FLNA is on the minus strand). VCF-style: chrX-154367647-G-C. GRCh37 (hg19) VCF-style: chrX-153596015-G-C.
Other names: c.714C>G, p.Ile238Met (NM_001456.4); short protein forms I238M.
Identifiers: ClinVar variation 575170 (VCV000575170.10), dbSNP rs1557179587, ClinGen allele CA415248741.

ClinVar aggregate classification (germline): Uncertain significance (1 of 4 stars; one submission).

Conditions:
Heterotopia, periventricular, X-linked dominant (PVNH1). Also called: PERIVENTRICULAR NODULAR HETEROTOPIA 4; HETEROTOPIA, PERIVENTRICULAR, 1; PERIVENTRICULAR NODULAR HETEROTOPIA 1; X-linked periventricular heterotopia. Identifiers: Orphanet 2149, Orphanet 82004, MedGen C1848213, MONDO:0010233, OMIM 300049.
Melnick-Needles syndrome (MNS). Also called: Melnick-Needles Syndrome (FLNA-MNS); MELNICK-NEEDLES OSTEODYSPLASTY; OSTEODYSPLASTY OF MELNICK AND NEEDLES. Identifiers: Orphanet 2484, MedGen C0025237, MONDO:0010650, OMIM 309350.
Frontometaphyseal dysplasia (FMD1). Identifiers: Orphanet 1826, MedGen C0265293, MONDO:0015942.
Oto-palato-digital syndrome, type II (OPD2). Also called: Otopalatodigital Syndrome Type 2 (FLNA-OPD2); Otopalatodigital Syndrome, Type II; FACIOPALATOOSSEOUS SYNDROME; OPD II SYNDROME. Identifiers: Orphanet 669, Orphanet 90652, MedGen C1844696, MONDO:0010571, OMIM 304120.

Submission:

Labcorp Genetics (formerly Invitae), Labcorp
Classification: Uncertain significance for Oto-palato-digital syndrome, type II; Heterotopia, periventricular, X-linked dominant; Frontometaphyseal dysplasia; Melnick-Needles syndrome. Last evaluated: 2021-05-06. Review status: criteria provided, single submitter. Criteria: Invitae Variant Classification Sherloc (09022015). Collection method: clinical testing. Allele origin: germline.
Comment: This sequence change replaces isoleucine with methionine at codon 238 of the FLNA protein (p.Ile238Met). The isoleucine residue is highly conserved and there is a small physicochemical difference between isoleucine and methionine. This variant is not present in population databases (ExAC no frequency). This variant has not been reported in the literature in individuals with FLNA-related disease. Algorithms developed to predict the effect of missense changes on protein structure and function do not agree on the potential impact of this missense change (SIFT: "Deleterious"; PolyPhen-2: "Possibly Damaging"; Align-GVGD: "Class C0"). In summary, the available evidence is currently insufficient to determine the role of this variant in disease. Therefore, it has been classified as a Variant of Uncertain Significance.